The following is an entry in ClinVar:

ClinVar aggregate classification (germline): Uncertain significance (1 of 4 stars; one submission).

Conditions:
Heterotaxy, visceral, 8, autosomal (HTX8). Identifiers: MONDO:0014967, OMIM 617205, MedGen C4310668.

gnomAD v4.1: 3 of 1,613,784 alleles (0.00019%); highest among the groups gnomAD compares: Non-Finnish European, 0.00025%; no homozygotes.

Submission:

Juno Genomics, Hangzhou Juno Genomics, Inc
Classification: Uncertain significance for Heterotaxy, visceral, 8, autosomal. Review status: criteria provided, single submitter. Criteria: ACMG Guidelines, 2015. Collection method: clinical testing. Allele origin: germline.
Comment: Absent from controls (or at extremely low frequency if recessive) in Genome Aggregation Database.;Multiple lines of computational evidence support a deleterious effect on the gene or gene product.

NM_138295.5(PKD1L1):c.2359G>A (p.Gly787Ser)

Gene: PKD1L1 (polycystin 1 like 1, transient receptor potential channel interacting; minus strand). Cytogenetic location: 7p12.3.
Variant type: single nucleotide variant.
Coding change: c.2359G>A on transcript NM_138295.5 (MANE Select); coding-DNA position 2359, G replaced by A.
Protein change: p.Gly787Ser; replaces glycine 787 with serine.
Molecular consequence: missense variant.
Genome position (GRCh38, 1-based): chr7:47,893,972, C>T on the plus strand (G>A on the coding strand, the complement: PKD1L1 is on the minus strand). VCF-style: chr7-47893972-C-T. GRCh37 (hg19) VCF-style: chr7-47933569-C-T.
Other names: short protein forms G787S.
Identifiers: ClinVar variation 5007219 (VCV005007219.2).
Genomic context (GRCh38, chr7:47,893,972, plus strand): 5'-ACTGGGTCCCTCTGAGGACAATGGGGGATGAGGTGGTCCTGGAGAAGAATAGGTGTGTGC[C>T]CTCGGAGATCACACTGACAGGGGCCTGGGCTCGCACCTCCAGGCCCACACAGTAGTTGCT-3'
Protein context (NP_612152.1, residues 777-797): AQAPVSVISE[Gly787Ser]THLFFSRTTS